The following is an entry in ClinVar:

ClinVar aggregate classification (germline): Uncertain significance (1 of 4 stars; one submission).

Submission:

GeneDx
Classification: Uncertain significance. Last evaluated: 2025-07-15. Review status: criteria provided, single submitter. Criteria: GeneDx Variant Classification Process June 2021. Collection method: clinical testing. Allele origin: germline. Affected: yes.
Comment: Not observed at significant frequency in large population cohorts (gnomAD); In silico analysis supports that this missense variant has a deleterious effect on protein structure/function; Has not been previously published as pathogenic or benign to our knowledge

NM_000142.5(FGFR3):c.1919G>C (p.Arg640Pro)

Gene: FGFR3 (fibroblast growth factor receptor 3; plus strand). Cytogenetic location: 4p16.3.
Variant type: single nucleotide variant.
Coding change: c.1919G>C on transcript NM_000142.5 (MANE Select); coding-DNA position 1919, G replaced by C.
Protein change: p.Arg640Pro; replaces arginine 640 with proline.
Molecular consequence: missense variant. On other transcripts: non-coding transcript variant (1).
Genome position (GRCh38, 1-based): chr4:1,806,133, G>C. VCF-style: chr4-1806133-G-C. GRCh37 (hg19) VCF-style: chr4-1807860-G-C.
Other names: c.1925G>C, p.Arg642Pro (NM_001163213.2); c.1922G>C, p.Arg641Pro (NM_001354809.2, NM_001354810.2); c.1583G>C, p.Arg528Pro (NM_022965.4); short protein forms R528P, R640P, R641P, R642P.
Identifiers: ClinVar variation 4686449 (VCV004686449.1).